The following is an entry in ClinVar:

ClinVar aggregate classification (germline): Conflicting classifications of pathogenicity. Review status: criteria provided, conflicting classifications (1 of 4 stars). 3 submissions from 3 submitters: Uncertain significance (2); Likely benign (1). Last evaluated 2025-05-05.

Allele frequency attached by ClinVar (database versions not stated): ExAC below 0.00001; gnomAD exomes 0.00005; 1000 Genomes Project 30x 0.00016; ESP Exome Variant Server 0.00033; TOPMed 0.00036; gnomAD 0.00038 and 0.00041.

Submissions (3):

Ambry Genetics
Classification: Uncertain significance. Last evaluated: 2025-05-05. Review status: criteria provided, single submitter. Criteria: Ambry Variant Classification Scheme 2023. Collection method: clinical testing. Allele origin: germline.

Blueprint Genetics
Classification: Likely benign. Last evaluated: 2022-09-21. Review status: criteria provided, single submitter. Criteria: ACMG Guidelines, 2015. Collection method: clinical testing. Allele origin: germline.

Labcorp Genetics (formerly Invitae), Labcorp
Classification: Uncertain significance. Last evaluated: 2022-06-15. Review status: criteria provided, single submitter. Criteria: Invitae Variant Classification Sherloc (09022015). Collection method: clinical testing. Allele origin: germline.
Comment: This sequence change replaces alanine, which is neutral and non-polar, with proline, which is neutral and non-polar, at codon 491 of the SAMD11 protein (p.Ala491Pro). This variant is present in population databases (rs373258312, gnomAD 0.1%). This variant has not been reported in the literature in individuals affected with SAMD11-related conditions. ClinVar contains an entry for this variant (Variation ID: 862235). Algorithms developed to predict the effect of missense changes on protein structure and function output the following: SIFT: "Tolerated"; PolyPhen-2: "Benign"; Align-GVGD: "Class C0". The proline amino acid residue is found in multiple mammalian species, which suggests that this missense change does not adversely affect protein function. In summary, the available evidence is currently insufficient to determine the role of this variant in disease. Therefore, it has been classified as a Variant of Uncertain Significance.

NM_001385641.1(SAMD11):c.1960G>C (p.Ala654Pro)

Gene: SAMD11 (sterile alpha motif domain containing 11; plus strand). Cytogenetic location: 1p36.33.
Variant type: single nucleotide variant.
Coding change: c.1960G>C on transcript NM_001385641.1 (MANE Select); coding-DNA position 1960, G replaced by C.
Protein change: p.Ala654Pro; replaces alanine 654 with proline.
Molecular consequence: missense variant.
Genome position (GRCh38, 1-based): chr1:942,965, G>C. VCF-style: chr1-942965-G-C. GRCh37 (hg19) VCF-style: chr1-878345-G-C.
Other names: c.1963G>C, p.Ala655Pro (NM_001385640.1); c.1471G>C, p.Ala491Pro (NM_152486.4); short protein forms A491P, A654P, A655P.
Identifiers: ClinVar variation 862235 (VCV000862235.8), dbSNP rs373258312, ClinGen allele CA503038.
Genomic context (GRCh38, chr1:942,965, plus strand): 5'-GGAGAGGACCCCGAGACGGCAGCTGTTGGGTGCAGGGGGCCCACTCCGGGCCAAGCTCCA[G>C]CTGGAGGGGCCGGCGCCGAGGGGAAGGGGCTTTTCCCAGGGTCCACACTGCCCCTGGGCT-3'
Protein context (NP_001372570.1, residues 644-664): CRGPTPGQAP[Ala654Pro]GGAGAEGKGL